The following is an entry in ClinVar:

NM_000238.4(KCNH2):c.451C>G (p.Pro151Ala)

Gene: KCNH2 (potassium voltage-gated channel subfamily H member 2; minus strand). Cytogenetic location: 7q36.1.
Variant type: single nucleotide variant.
Coding change: c.451C>G on transcript NM_000238.4 (MANE Select); coding-DNA position 451, C replaced by G.
Protein change: p.Pro151Ala; replaces proline 151 with alanine.
Molecular consequence: missense variant.
Genome position (GRCh38, 1-based): chr7:150,959,593, G>C on the plus strand (C>G on the coding strand, the complement: KCNH2 is on the minus strand). VCF-style: chr7-150959593-G-C. GRCh37 (hg19) VCF-style: chr7-150656681-G-C.
Other names: c.163C>G, p.Pro55Ala (NM_001406753.1, NM_001406756.1); c.274C>G, p.Pro92Ala (NM_001406755.1); c.151C>G, p.Pro51Ala (NM_001406757.1); c.451C>G, p.Pro151Ala (NM_172056.3); short protein forms P151A, P55A, P51A, P92A.
Identifiers: ClinVar variation 405361 (VCV000405361.29), dbSNP rs1060500674, ClinGen allele CA16612319.

ClinVar aggregate classification (germline): Uncertain significance. Review status: criteria provided, multiple submitters, no conflicts (2 of 4 stars). 5 submissions from 5 submitters: Uncertain significance (5). Last evaluated 2024-03-06.

Conditions:
Long QT syndrome 2 (LQT2). Identifiers: Orphanet 101016, Orphanet 768, MedGen C3150943, MONDO:0013367, OMIM 613688.
Short QT syndrome type 1. Identifiers: Orphanet 51083, MedGen C1865020, MONDO:0012312, OMIM 609620.
Long QT syndrome (LQTS). Identifiers: MedGen C0023976, MeSH D008133, MONDO:0002442. Disease mechanism: loss of function. Inheritance: Various modes of inheritance.
Cardiovascular phenotype. Identifiers: MedGen CN230736.
Cardiac arrhythmia. Also called: Arrhythmia; Cardiac rhythm disease. Identifiers: MedGen C0003811, MONDO:0007263, HP:0011675.

gnomAD v4.1: 8 of 1,614,090 alleles (0.0005%); highest among the groups gnomAD compares: Non-Finnish European, 0.00068%; no homozygotes.

Submissions (5):

Color Diagnostics, LLC DBA Color Health
Classification: Uncertain significance for Cardiac arrhythmia. Last evaluated: 2024-03-06. Review status: criteria provided, single submitter. Criteria: ACMG Guidelines, 2015. Collection method: clinical testing. Allele origin: germline.
Comment: This missense variant replaces proline with alanine at codon 151 of the KCNH2 protein. Computational prediction suggests that this variant may not impact protein structure and function (internally defined REVEL score threshold <= 0.5, PMID: 27666373). To our knowledge, functional studies have not been reported for this variant. This variant has not been reported in individuals affected with cardiovascular disorders in the literature. This variant has not been identified in the general population by the Genome Aggregation Database (gnomAD). The available evidence is insufficient to determine the role of this variant in disease conclusively. Therefore, this variant is classified as a Variant of Uncertain Significance.

All of Us Research Program, National Institutes of Health
Classification: Uncertain significance for Long QT syndrome. Last evaluated: 2023-12-01. Review status: criteria provided, single submitter. Criteria: ACMG Guidelines, 2015. Collection method: clinical testing. Allele origin: germline. Inheritance: Autosomal dominant inheritance. Observed: 5 variant alleles, 5 heterozygotes.
Comment: This missense variant replaces proline with alanine at codon 151 of the KCNH2 protein. Computational prediction suggests that this variant may not impact protein structure and function (internally defined REVEL score threshold <= 0.5, PMID: 27666373). To our knowledge, functional studies have not been reported for this variant. This variant has not been reported in individuals affected with cardiovascular disorders in the literature. This variant has not been identified in the general population by the Genome Aggregation Database (gnomAD). The available evidence is insufficient to determine the role of this variant in disease conclusively. Therefore, this variant is classified as a Variant of Uncertain Significance.

This study involves interpretation of variants in research participants for the purpose of population health screening. Participant phenotype was not available at the time of variant classification. Additional details can be found in publication PMID: 35346344, PMCID: PMC8962531

Ambry Genetics
Classification: Uncertain significance for Cardiovascular phenotype. Last evaluated: 2023-10-12. Review status: criteria provided, single submitter. Criteria: Ambry Variant Classification Scheme 2023. Collection method: clinical testing. Allele origin: germline.
Comment: The p.P151A variant (also known as c.451C>G), located in coding exon 3 of the KCNH2 gene, results from a C to G substitution at nucleotide position 451. The proline at codon 151 is replaced by alanine, an amino acid with highly similar properties. This amino acid position is not well conserved in available vertebrate species. In addition, this alteration is predicted to be tolerated by in silico analysis. Since supporting evidence is limited at this time, the clinical significance of this alteration remains unclear.

Labcorp Genetics (formerly Invitae), Labcorp
Classification: Uncertain significance for Long QT syndrome. Last evaluated: 2022-08-30. Review status: criteria provided, single submitter. Criteria: Invitae Variant Classification Sherloc (09022015). Collection method: clinical testing. Allele origin: germline.
Comment: In summary, the available evidence is currently insufficient to determine the role of this variant in disease. Therefore, it has been classified as a Variant of Uncertain Significance. Algorithms developed to predict the effect of missense changes on protein structure and function output the following: SIFT: "Tolerated"; PolyPhen-2: "Benign"; Align-GVGD: "Class C0". The alanine amino acid residue is found in multiple mammalian species, which suggests that this missense change does not adversely affect protein function. ClinVar contains an entry for this variant (Variation ID: 405361). This variant has not been reported in the literature in individuals affected with KCNH2-related conditions. This variant is not present in population databases (gnomAD no frequency). This sequence change replaces proline, which is neutral and non-polar, with alanine, which is neutral and non-polar, at codon 151 of the KCNH2 protein (p.Pro151Ala).

Fulgent Genetics
Classification: Uncertain significance for Short QT syndrome type 1; Long QT syndrome 2. Last evaluated: 2021-08-02. Review status: criteria provided, single submitter. Criteria: ACMG Guidelines, 2015. Collection method: clinical testing. Allele origin: unknown.